The following is an entry in ClinVar:

NM_033380.3(COL4A5):c.212dup (p.Pro73fs)

Gene: COL4A5 (collagen type IV alpha 5 chain; plus strand). Cytogenetic location: Xq22.3.
Variant type: Duplication.
Coding change: c.212dup on transcript NM_033380.3 (MANE Select); coding-DNA position 212, one base duplicated (C; older notation c.212dupC).
Protein change: p.Pro73fs; shifts the reading frame from proline 73.
Molecular consequence: frameshift variant.
Genome position (GRCh38, 1-based): chrX:108,559,134, C duplicated; the last of 2 consecutive C bases (chrX:108,559,133-108,559,134); duplicating either gives the same sequence. VCF-style (leftmost placement, unchanged base first): chrX-108559132-T-TC. GRCh37 (hg19) VCF-style: chrX-107802362-T-TC.
Other names: c.212dup, p.Pro73fs (NM_000495.5); short protein forms P73fs.
Identifiers: ClinVar variation 3255135 (VCV003255135.1), dbSNP rs2524162796.
Genomic context (GRCh38, chrX:108,559,132, plus strand): 5'-AGGGTTTCCAGGTTTGGAAGGACACCCAGGATTGCCTGGATTTCCAGGTCCAGAAGGGCC[T>TC]CCGGGGCCTCGGGGACAAAAGGTATGTATCATGTTGCCAACCAGTAATGCCAGATGAATT-3'

ClinVar aggregate classification (germline): Pathogenic (1 of 4 stars; one submission).

Conditions:
X-linked Alport syndrome (ATS1). Also called: COL4A5-Related Nephropathy; NEPHROPATHY AND DEAFNESS, X-LINKED. Identifiers: Orphanet 63, Orphanet 88917, MedGen C4746986, MONDO:0010520, OMIM 301050.

Submission:

Victorian Clinical Genetics Services, Murdoch Childrens Research Institute
Classification: Pathogenic for X-linked Alport syndrome. Last evaluated: 2022-03-31. Review status: criteria provided, single submitter. Criteria: ACMG Guidelines, 2015. Collection method: clinical testing. Allele origin: germline. Inheritance: X-linked dominant inheritance.
Comment: Based on the classification scheme VCGS_Germline_v1.3.4, this variant is classified as Pathogenic. Following criteria are met: 0103 - Dominant negative and loss of function are known mechanisms of disease in this gene and are associated with X-linked Alport syndrome 1 (MIM#301050). Dominant negative is caused mostly by glycine substitutions that affect the conformation of the protein, and loss of function can be caused by either protein truncating or missense variants (PMIDs: 24046192, 12028435). (I) 0110 - This gene is associated with X-linked dominant disease. Males are typically more severely affected than females (PMID: 19965530). (I) 0115 - Variants in this gene are known to have variable expressivity. There is intrafamilial variability among affected carrier females, possibly due to variable X-inactivation (PMID: 14514738). (I) 0201 - Variant is predicted to cause nonsense-mediated decay (NMD) and loss of protein (premature termination codon is located at least 54 nucleotides upstream of the final exon-exon junction). (SP) 0251 - This variant is heterozygous. (I) 0301 - Variant is absent from gnomAD (both v2 and v3). (SP) 0701 - Other NMD predicted variants comparable to the one identified in this case have very strong previous evidence for pathogenicity (DECIPHER). (SP) 0807 - This variant has no previous evidence of pathogenicity. (I) 0905 - No published segregation evidence has been identified for this variant. (I) 1007 - No published functional evidence has been identified for this variant. (I) 1208 - Inheritance information for this variant is not currently available in this individual. (I) Legend: (SP) - Supporting pathogenic, (I) - Information, (SB) - Supporting benign

Literature cited by the submitters: PubMed 12028435; PubMed 14514738; PubMed 19965530; PubMed 24046192.